The following is an entry in ClinVar:

NM_005908.4(MANBA):c.958A>C (p.Lys320Gln)

Gene: MANBA (mannosidase beta; minus strand). Cytogenetic location: 4q24.
Variant type: single nucleotide variant.
Coding change: c.958A>C on transcript NM_005908.4 (MANE Select); coding-DNA position 958, A replaced by C.
Protein change: p.Lys320Gln; replaces lysine 320 with glutamine.
Molecular consequence: missense variant.
Genome position (GRCh38, 1-based): chr4:102,689,576, T>G on the plus strand (A>C on the coding strand, the complement: MANBA is on the minus strand). VCF-style: chr4-102689576-T-G. GRCh37 (hg19) VCF-style: chr4-103610733-T-G.
Other names: short protein forms K320Q.
Identifiers: ClinVar variation 2095122 (VCV002095122.4), dbSNP rs762022977, ClinGen allele CA357768527.

ClinVar aggregate classification (germline): Uncertain significance (1 of 4 stars; one submission).

Conditions:
Beta-D-mannosidosis (MANSB). Also called: Beta-Mannosidosis; MANNOSIDOSIS, BETA A, LYSOSOMAL; BETA-MANNOSIDASE DEFICIENCY; LYSOSOMAL BETA-MANNOSIDASE DEFICIENCY. Identifiers: Orphanet 118, MedGen C4048196, MONDO:0009562, OMIM 248510.

Submission:

Labcorp Genetics (formerly Invitae), Labcorp
Classification: Uncertain significance for Beta-D-mannosidosis. Last evaluated: 2022-02-08. Review status: criteria provided, single submitter. Criteria: Invitae Variant Classification Sherloc (09022015). Collection method: clinical testing. Allele origin: germline.
Comment: This variant is not present in population databases (gnomAD no frequency). In summary, the available evidence is currently insufficient to determine the role of this variant in disease. Therefore, it has been classified as a Variant of Uncertain Significance. Algorithms developed to predict the effect of missense changes on protein structure and function are either unavailable or do not agree on the potential impact of this missense change (SIFT: "Deleterious"; PolyPhen-2: "Benign"; Align-GVGD: "Class C0"). This variant has not been reported in the literature in individuals affected with MANBA-related conditions. This sequence change replaces lysine, which is basic and polar, with glutamine, which is neutral and polar, at codon 320 of the MANBA protein (p.Lys320Gln).